The following is an entry in ClinVar:

NM_000053.4(ATP7B):c.2132G>A (p.Gly711Glu)

Gene: ATP7B (ATPase copper transporting beta; minus strand). Cytogenetic location: 13q14.3.
Variant type: single nucleotide variant.
Coding change: c.2132G>A on transcript NM_000053.4 (MANE Select); coding-DNA position 2132, G replaced by A.
Protein change: p.Gly711Glu; replaces glycine 711 with glutamic acid.
Molecular consequence: missense variant. On other transcripts: intron variant (2).
Genome position (GRCh38, 1-based): chr13:51,958,534, C>T on the plus strand (G>A on the coding strand, the complement: ATP7B is on the minus strand). VCF-style: chr13-51958534-C-T. GRCh37 (hg19) VCF-style: chr13-52532670-C-T.
Other names: c.1799G>A, p.Gly600Glu (NM_001243182.2); c.1880G>A, p.Gly627Glu (NM_001330579.2); c.1870-927G>A (NM_001005918.3); c.2122-927G>A (NM_001330578.2); short protein forms G627E, G600E, G711E.
Identifiers: ClinVar variation 1475786 (VCV001475786.9), dbSNP rs2139545313, ClinGen allele CA388023465.

ClinVar aggregate classification (germline): Conflicting classifications of pathogenicity. Review status: criteria provided, conflicting classifications (1 of 4 stars). 2 submissions from 2 submitters: Likely pathogenic (1); Uncertain significance (1). Last evaluated 2023-12-01.

Conditions:
Wilson disease (WND). Also called: Wilson's disease. Identifiers: Orphanet 905, MedGen C0019202, MONDO:0010200, OMIM 277900. Disease mechanism: loss of function.

Allele frequency attached by ClinVar (database versions not stated): gnomAD exomes below 0.00001.
gnomAD v4.1: 1 of 1,614,144 alleles (0.000062%); highest among the groups gnomAD compares: Non-Finnish European, 0.000085%; no homozygotes.

Submissions (2):

All of Us Research Program, National Institutes of Health
Classification: Uncertain significance for Wilson disease. Last evaluated: 2023-12-01. Review status: criteria provided, single submitter. Criteria: ACMG Guidelines, 2015. Collection method: clinical testing. Allele origin: germline. Inheritance: Autosomal recessive inheritance. Observed: 2 variant alleles, 2 heterozygotes.
Comment: This missense variant replaces glycine with glutamic acid at codon 711 of the ATP7B protein. Computational prediction suggests that this variant may have deleterious impact on protein structure and function (internally defined REVEL score threshold >= 0.7, PMID: 27666373). This variant alters a conserved glycine residue in the transmembrane MB domain of the ATP7B protein (a.a. 694 - 724), a highly conserved region that is considered to be important for ATP7B protein function (PMID: 35245129; ClinVar). To our knowledge, functional studies have not been reported for this variant. This variant has been reported in an individual affected with Wilson disease (PMID: 8931691). This variant has not been identified in the general population by the Genome Aggregation Database (gnomAD). Different variants occurring at the same codon, p.Gly711Trp and p.Gly711Arg, are reported to be disease-causing (ClinVar variation ID: 555609, 495405), indicating that glycine at this position is important for ATP7B protein function. The available evidence specific for the p.Gly711Glu variant is insufficient to determine the role of this variant in disease conclusively. Therefore, this variant is classified as a Variant of Uncertain Significance.

This study involves interpretation of variants in research participants for the purpose of population health screening. Participant phenotype was not available at the time of variant classification. Additional details can be found in publication PMID: 35346344, PMCID: PMC8962531

Labcorp Genetics (formerly Invitae), Labcorp
Classification: Likely pathogenic for Wilson disease. Last evaluated: 2020-12-20. Review status: criteria provided, single submitter. Criteria: Invitae Variant Classification Sherloc (09022015). Collection method: clinical testing. Allele origin: germline.
Comment: This variant disrupts the p.Gly711 amino acid residue in ATP7B. Other variant(s) that disrupt this residue have been determined to be pathogenic (PMID: 10502777, 31059521). This suggests that this residue is clinically significant, and that variants that disrupt this residue are likely to be disease-causing. This sequence change replaces glycine with glutamic acid at codon 711 of the ATP7B protein (p.Gly711Glu). The glycine residue is highly conserved and there is a moderate physicochemical difference between glycine and glutamic acid. This variant is not present in population databases (ExAC no frequency). This variant has been observed in individual(s) with clinical features of Wilson disease (PMID: 8931691). This variant is also known as Gly712Glu. Advanced modeling of protein sequence and biophysical properties (such as structural, functional, and spatial information, amino acid conservation, physicochemical variation, residue mobility, and thermodynamic stability) performed at Invitae indicates that this missense variant is expected to disrupt ATP7B protein function. In summary, the currently available evidence indicates that the variant is pathogenic, but additional data are needed to prove that conclusively. Therefore, this variant has been classified as Likely Pathogenic.

Literature cited by the submitters: PubMed 8931691 (cited by All of Us Research Program, National Institutes of Health and Labcorp Genetics (formerly Invitae), Labcorp); PubMed 35245129 (cited by All of Us Research Program, National Institutes of Health); PubMed 10502777 (cited by Labcorp Genetics (formerly Invitae), Labcorp); PubMed 31059521 (cited by Labcorp Genetics (formerly Invitae), Labcorp).